The following is an entry in ClinVar:

NM_004655.4(AXIN2):c.876A>C (p.Ala292=)

Gene: AXIN2 (axin 2; minus strand). Cytogenetic location: 17q24.1.
Variant type: single nucleotide variant.
Coding change: c.876A>C on transcript NM_004655.4 (MANE Select); coding-DNA position 876, A replaced by C.
Protein change: p.Ala292=; no amino-acid change (alanine 292 retained).
Molecular consequence: synonymous variant.
Genome position (GRCh38, 1-based): chr17:65,549,600, T>G on the plus strand (A>C on the coding strand, the complement: AXIN2 is on the minus strand). VCF-style: chr17-65549600-T-G. GRCh37 (hg19) VCF-style: chr17-63545718-T-G.
Other names: c.876A>C, p.Ala292= (NM_001363813.1).
Identifiers: ClinVar variation 757745 (VCV000757745.15), dbSNP rs755685014, ClinGen allele CA501476711.

ClinVar aggregate classification (germline): Benign/Likely benign. Review status: criteria provided, multiple submitters, no conflicts (2 of 4 stars). 4 submissions from 4 submitters: Benign (1); Likely benign (3). Last evaluated 2026-01-14.

Conditions:
Hereditary cancer-predisposing syndrome. Also called: Hereditary Cancer Syndrome; Hereditary neoplastic syndrome; Neoplastic Syndromes, Hereditary; Tumor predisposition. Identifiers: Orphanet 140162, MedGen C0027672, MeSH D009386, MONDO:0015356.
Oligodontia-cancer predisposition syndrome. Also called: TOOTH AGENESIS-COLORECTAL CANCER SYNDROME. Identifiers: Orphanet 300576, MedGen C1837750, MONDO:0012075, OMIM 608615. Disease mechanism: loss of function.

Allele frequency attached by ClinVar (database versions not stated): gnomAD exomes below 0.00001.
gnomAD v4.1: 10 of 1,606,524 alleles (0.00062%); highest among the groups gnomAD compares: Middle Eastern, 0.033%; no homozygotes.

Submissions (4):

Labcorp Genetics (formerly Invitae), Labcorp
Classification: Likely benign for Oligodontia-cancer predisposition syndrome. Last evaluated: 2026-01-14. Review status: criteria provided, single submitter. Criteria: Invitae Variant Classification Sherloc (09022015). Collection method: clinical testing. Allele origin: germline.

Quest Diagnostics Nichols Institute San Juan Capistrano
Classification: Likely benign. Last evaluated: 2025-02-03. Review status: criteria provided, single submitter. Criteria: Quest Diagnostics criteria. Collection method: clinical testing. Allele origin: unknown.

Myriad Genetics, Inc.
Classification: Benign for Oligodontia-cancer predisposition syndrome. Last evaluated: 2024-06-28. Review status: criteria provided, single submitter. Criteria: Myriad Autosomal Dominant, Autosomal Recessive and X-Linked Classification Criteria (2023). Collection method: clinical testing. Allele origin: unknown.
Comment: This variant is considered benign. This variant is a silent/synonymous amino acid change and it is not expected to impact splicing.

Ambry Genetics
Classification: Likely benign for Hereditary cancer-predisposing syndrome. Last evaluated: 2021-05-03. Review status: criteria provided, single submitter. Criteria: Ambry Variant Classification Scheme 2023. Collection method: clinical testing. Allele origin: germline.